The following is an entry in ClinVar:

ClinVar aggregate classification (germline): Benign/Likely benign. Review status: criteria provided, multiple submitters, no conflicts (2 of 4 stars). 3 submissions from 3 submitters: Benign (1); Likely benign (2). Last evaluated 2026-07-01.

Allele frequency attached by ClinVar (database versions not stated): gnomAD 0.00008 and 0.00007; TOPMed 0.00008; ExAC 0.00002; gnomAD exomes 0.00005.
gnomAD v4.1: 299 of 1,613,880 alleles (0.019%); highest among the groups gnomAD compares: Non-Finnish European, 0.024%; no homozygotes.

Submissions (3):

CeGaT Center for Human Genetics Tuebingen
Classification: Likely benign. Last evaluated: 2026-07-01. Review status: criteria provided, single submitter. Criteria: CeGaT Center For Human Genetics Tuebingen Variant Classification Criteria Version 2. Collection method: clinical testing. Allele origin: germline. Affected: yes. Observed: 4 variant alleles.
Comment: MTOR: BS2

Labcorp Genetics (formerly Invitae), Labcorp
Classification: Benign. Last evaluated: 2026-01-12. Review status: criteria provided, single submitter. Criteria: Invitae Variant Classification Sherloc (09022015). Collection method: clinical testing. Allele origin: germline.

Blueprint Genetics
Classification: Likely benign. Last evaluated: 2022-08-17. Review status: criteria provided, single submitter. Criteria: ACMG Guidelines, 2015. Collection method: clinical testing. Allele origin: germline.

NM_004958.4(MTOR):c.1555G>A (p.Ala519Thr)

Gene: MTOR (mechanistic target of rapamycin kinase; minus strand). Cytogenetic location: 1p36.22.
Variant type: single nucleotide variant.
Coding change: c.1555G>A on transcript NM_004958.4 (MANE Select); coding-DNA position 1555, G replaced by A.
Protein change: p.Ala519Thr; replaces alanine 519 with threonine.
Molecular consequence: missense variant.
Genome position (GRCh38, 1-based): chr1:11,240,534, C>T on the plus strand (G>A on the coding strand, the complement: MTOR is on the minus strand). VCF-style: chr1-11240534-C-T. GRCh37 (hg19) VCF-style: chr1-11300591-C-T.
Other names: c.1555G>A (LRG_734t1); short protein forms A519T.
Identifiers: ClinVar variation 663820 (VCV000663820.46), dbSNP rs201577876, ClinGen allele CA590681.
Genomic context (GRCh38, chr1:11,240,534, plus strand): 5'-GCCCATCTTGAATGTCCTTCTTTAGCTGTGGAATCTGACGGCTCAGGTCGTAGAGCACTG[C>T]AGTGAGGGCAGGGCTGAGGGGAAGGAAACAAGTCACATAAGGGCTGGGCACATGACACTC-3'
Protein context (NP_004949.1, residues 509-529): LAVGLSPALT[Ala519Thr]VLYDLSRQIP